The following is an entry in ClinVar:

ClinVar aggregate classification (germline): Pathogenic (1 of 4 stars; one submission).

Conditions:
Congenital myasthenic syndrome 12 (CMS12). Also called: MYASTHENIC SYNDROME, CONGENITAL, WITH TUBULAR AGGREGATES 1; Myasthenia, congenital, 12, with tubular aggregates. Identifiers: Orphanet 353327, Orphanet 590, MedGen C3552335, MONDO:0012518, OMIM 610542.

Submission:

Labcorp Genetics (formerly Invitae), Labcorp
Classification: Pathogenic for Congenital myasthenic syndrome 12. Last evaluated: 2026-01-15. Review status: criteria provided, single submitter. Criteria: Invitae Variant Classification Sherloc (09022015). Collection method: clinical testing. Allele origin: germline.
Comment: This sequence change affects the initiator codon of the GFPT1 mRNA. This change may impact translation initiation or efficiency. The next in-frame methionine is located at codon 79. This variant is present in population databases (no rsID available, gnomAD 0.002%). This variant has not been reported in the literature in individuals affected with GFPT1-related conditions. Algorithms developed to predict the effect of sequence changes on RNA splicing suggest that this variant may disrupt the consensus splice site. This variant disrupts a region of the GFPT1 protein in which other variant(s) (p.Thr15Met) have been determined to be pathogenic (PMID: 21310273, 23569079, 23794683, 28712002; internal data). This suggests that this is a clinically significant region of the protein, and that variants that disrupt it are likely to be disease-causing. For these reasons, this variant has been classified as Pathogenic.

Literature cited by the submitters: PubMed 21310273; PubMed 23569079; PubMed 23794683; PubMed 28712002.

NM_001244710.2(GFPT1):c.2T>G (p.Met1Arg)

Gene: GFPT1 (glutamine--fructose-6-phosphate transaminase 1; minus strand). Cytogenetic location: 2p13.3.
Variant type: single nucleotide variant.
Coding change: c.2T>G on transcript NM_001244710.2 (MANE Select); coding-DNA position 2, T replaced by G.
Protein change: p.Met1Arg; changes the start codon (methionine 1).
Molecular consequence: missense variant, initiator codon variant.
Genome position (GRCh38, 1-based): chr2:69,387,070, A>C on the plus strand (T>G on the coding strand, the complement: GFPT1 is on the minus strand). VCF-style: chr2-69387070-A-C. GRCh37 (hg19) VCF-style: chr2-69614202-A-C.
Other names: c.2T>G, p.Met1Arg (NM_002056.4); short protein forms M1R.
Identifiers: ClinVar variation 4804077 (VCV004804077.1).